The following is an entry in ClinVar:

ClinVar aggregate classification (germline): Pathogenic (1 of 4 stars; one submission).

Submission:

Labcorp Genetics (formerly Invitae), Labcorp
Classification: Pathogenic. Last evaluated: 2023-08-02. Review status: criteria provided, single submitter. Criteria: Invitae Variant Classification Sherloc (09022015). Collection method: clinical testing. Allele origin: germline.
Comment: For these reasons, this variant has been classified as Pathogenic. This variant disrupts a region of the SCO2 protein in which other variant(s) (p.Gly193Ser) have been determined to be pathogenic (PMID: 19353847, 29193756, 32600061). This suggests that this is a clinically significant region of the protein, and that variants that disrupt it are likely to be disease-causing. ClinVar contains an entry for this variant (Variation ID: 2005691). This variant has not been reported in the literature in individuals affected with SCO2-related conditions. This variant is not present in population databases (gnomAD no frequency). This sequence change creates a premature translational stop signal (p.Arg13Serfs*21) in the SCO2 gene. While this is not anticipated to result in nonsense mediated decay, it is expected to disrupt the last 254 amino acid(s) of the SCO2 protein.

Literature cited by the submitters: PubMed 19353847; PubMed 29193756; PubMed 32600061.

NM_005138.3(SCO2):c.39del (p.Arg13fs)

Genes: NCAPH2 (non-SMC condensin II complex subunit H2; plus strand), SCO2 (synthesis of cytochrome C oxidase 2; minus strand). Cytogenetic location: 22q13.33.
Variant type: Deletion.
Coding change: c.39del on transcript NM_005138.3 (MANE Select); coding-DNA position 39, one base deleted (G; older notation c.39delG).
Protein change: p.Arg13fs; shifts the reading frame from arginine 13.
Molecular consequence: frameshift variant. On other transcripts: 3 prime UTR variant (2).
Genome position (GRCh38, 1-based): chr22:50,524,373, C deleted on the plus strand (G on the coding strand, the reverse complement: SCO2 is on the minus strand); the first of 2 consecutive C bases (chr22:50,524,373-50,524,374); deleting either gives the same sequence. VCF-style (leftmost placement, unchanged base first): chr22-50524372-GC-G. GRCh37 (hg19) VCF-style: chr22-50962801-GC-G.
Other names: c.*999del (NM_001185011.2, NM_152299.4); c.39del, p.Arg13fs (NM_001169109.2, NM_001169110.1, NM_001169111.2); short protein forms R13fs.
Identifiers: ClinVar variation 2005691 (VCV002005691.4), dbSNP rs2522478178, ClinGen allele CA2580099993.